The following is an entry in ClinVar:

ClinVar aggregate classification (germline): Conflicting classifications of pathogenicity. Review status: criteria provided, conflicting classifications (1 of 4 stars). 10 submissions from 7 submitters: Uncertain significance (8); Likely benign (2). Last evaluated 2026-09-17.

Conditions:
Age related macular degeneration 4. Identifiers: MedGen C1853147, MONDO:0012540, OMIM 610698.
Hemolytic uremic syndrome, atypical, susceptibility to, 1. Also called: AHUS, SUSCEPTIBILITY TO, 1. Identifiers: Orphanet 2134, Orphanet 90038, MedGen C2749604, MONDO:0009335, OMIM 235400. Disease mechanism: Other.
Factor H deficiency (CFHD). Also called: COMPLEMENT FACTOR H DEFICIENCY; CFH DEFICIENCY. Identifiers: Orphanet 200421, MedGen C0398777, MONDO:0012350, OMIM 609814.
Basal laminar drusen. Also called: DRUSEN OF BRUCH MEMBRANE; DRUSEN, CUTICULAR; DRUSEN, EARLY ADULT-ONSET, GROUPED. Identifiers: Orphanet 75376, MedGen C0730295, MONDO:0007472, OMIM 126700.
Atypical hemolytic-uremic syndrome. Identifiers: Orphanet 2134, MedGen C2931788, MONDO:0016244.

Allele frequency attached by ClinVar (database versions not stated): gnomAD 0.00024 and 0.00025; gnomAD exomes 0.00032 and 0.00039; TOPMed 0.00034; ExAC 0.00044.
gnomAD v4.1: 491 of 1,613,850 alleles (0.03%); highest among the groups gnomAD compares: Admixed American, 0.097%; 1 homozygote.

Submissions (10):

Genomenon, Inc
Classification: Likely benign for Age related macular degeneration 4; Atypical hemolytic-uremic syndrome; Factor H deficiency; Basal laminar drusen. Last evaluated: 2026-09-17. Review status: criteria provided, single submitter. Criteria: Genomenon Sequence Variant Interpretation Standards - Updated. Collection method: curation. Allele origin: germline. Affected: yes.
Comment: CFH p.Gln1076Glu (c.3226C>G) is a missense variant that changes the amino acid at codon 1076 from glutamine to glutamic acid. This variant has been reported in the published literature (PMID: 39614881; 24460647; 25377941; 22389686; 16470555; 25188723; 17076561; 16968692; 31253663; 18215115; 22170528; 24161037; 18252232). This variant's allele frequency in gnomAD is greater than expected for this disorder. In conclusion, we classify CFH p.Gln1076Glu (c.3226C>G) as a likely benign variant.

Women's Health and Genetics/Laboratory Corporation of America, LabCorp
Classification: Uncertain significance. Last evaluated: 2026-04-16. Review status: criteria provided, single submitter. Criteria: LabCorp Variant Classification Summary - May 2015. Collection method: clinical testing. Allele origin: germline.
Comment: Variant summary: CFH c.3226C>G (p.Gln1076Glu) results in a conservative amino acid change in the encoded protein sequence. Algorithms developed to predict the effect of missense changes on protein structure and function all suggest that this variant is likely to be tolerated. The variant allele was found at a frequency of 0.0003 in 1613850 control chromosomes in the gnomAD database, including 1 homozygote. This frequency is not significantly higher than estimated for disease-causing variants in CFH, allowing no conclusion about variant significance, however we note that the frequency approaches the maximum pathogenic allele frequency expected in at least 1 subpopulation (Latin American), which could suggest this may be a benign polymorphism. c.3226C>G has been observed in the heterozygous and presumed compound heterozygous states in multiple individual(s) affected with CFH-Related Disorders (example, Richards_2001, de Jong_2022, Fidalgo_2017, Haydock_2022, Neumann_2003, Merinero_2021, Heinen_2006, Barbour_2021) without strong evidence for causality. These report(s) do not provide unequivocal conclusions about association of the variant with CFH-Related Disorders. At least one publication reports experimental evidence evaluating an impact on protein function. These results showed no damaging effect of this variant in vitro (Merinero_2021). The following publications have been ascertained in the context of this evaluation (PMID: 11170896, 34508573, 30046676, 34714369, 12960213, 34189567, 16470555, 34169200). ClinVar contains an entry for this variant (Variation ID: 1163683). Based on the evidence outlined above, the variant was classified as uncertain significance.

Mayo Clinic Laboratories, Mayo Clinic
Classification: Uncertain significance. Last evaluated: 2025-07-01. Review status: criteria provided, single submitter. Criteria: ACMG Guidelines, 2015. Collection method: clinical testing. Allele origin: germline. Observed: 15 variant alleles.
Comment: BS3

Blueprint Genetics
Classification: Likely benign. Last evaluated: 2024-10-16. Review status: criteria provided, single submitter. Criteria: ACMG Guidelines, 2015. Collection method: clinical testing. Allele origin: germline.

Fulgent Genetics
Classification: Uncertain significance for Basal laminar drusen; Hemolytic uremic syndrome, atypical, susceptibility to, 1; Factor H deficiency; Age related macular degeneration 4. Last evaluated: 2024-02-15. Review status: criteria provided, single submitter. Criteria: ACMG Guidelines, 2015. Collection method: clinical testing. Allele origin: germline.

Genome-Nilou Lab
Classification: Uncertain significance for Hemolytic uremic syndrome, atypical, susceptibility to, 1. Last evaluated: 2023-04-11. Review status: criteria provided, single submitter. Criteria: ACMG Guidelines, 2015. Collection method: clinical testing. Allele origin: germline. Affected: no.

Genome-Nilou Lab
Classification: Uncertain significance for Age related macular degeneration 4. Last evaluated: 2023-04-11. Review status: criteria provided, single submitter. Criteria: ACMG Guidelines, 2015. Collection method: clinical testing. Allele origin: germline. Affected: no.

Genome-Nilou Lab
Classification: Uncertain significance for Basal laminar drusen. Last evaluated: 2023-04-11. Review status: criteria provided, single submitter. Criteria: ACMG Guidelines, 2015. Collection method: clinical testing. Allele origin: germline. Affected: no.

Genome-Nilou Lab
Classification: Uncertain significance for Factor H deficiency. Last evaluated: 2023-04-11. Review status: criteria provided, single submitter. Criteria: ACMG Guidelines, 2015. Collection method: clinical testing. Allele origin: germline. Affected: no.

Genome Diagnostics Laboratory, The Hospital for Sick Children
Classification: Uncertain significance for Atypical hemolytic-uremic syndrome. Last evaluated: 2021-02-25. Review status: criteria provided, single submitter. Criteria: ACMG Guidelines, 2015. Collection method: clinical testing. Allele origin: germline.

Literature cited by the submitters: PubMed 39614881 (cited by Genomenon, Inc); PubMed 24460647 (cited by Genomenon, Inc); PubMed 25377941 (cited by Genomenon, Inc); PubMed 22389686 (cited by Genomenon, Inc); PubMed 16470555 (cited by Genomenon, Inc and Women's Health and Genetics/Laboratory Corporation of America, LabCorp); PubMed 25188723 (cited by Genomenon, Inc); PubMed 17076561 (cited by Genomenon, Inc); PubMed 16968692 (cited by Genomenon, Inc); PubMed 31253663 (cited by Genomenon, Inc); PubMed 18215115 (cited by Genomenon, Inc); PubMed 22170528 (cited by Genomenon, Inc); PubMed 24161037 (cited by Genomenon, Inc); PubMed 18252232 (cited by Genomenon, Inc); PubMed 11170896 (cited by Women's Health and Genetics/Laboratory Corporation of America, LabCorp and Mayo Clinic Laboratories, Mayo Clinic); PubMed 12960213 (cited by Women's Health and Genetics/Laboratory Corporation of America, LabCorp and Mayo Clinic Laboratories, Mayo Clinic); PubMed 30046676 (cited by Women's Health and Genetics/Laboratory Corporation of America, LabCorp and Mayo Clinic Laboratories, Mayo Clinic); PubMed 34189567 (cited by Women's Health and Genetics/Laboratory Corporation of America, LabCorp and Mayo Clinic Laboratories, Mayo Clinic); PubMed 34714369 (cited by Women's Health and Genetics/Laboratory Corporation of America, LabCorp); PubMed 34508573 (cited by Women's Health and Genetics/Laboratory Corporation of America, LabCorp and Mayo Clinic Laboratories, Mayo Clinic); PubMed 34169200 (cited by Women's Health and Genetics/Laboratory Corporation of America, LabCorp); PubMed 19877009 (cited by Mayo Clinic Laboratories, Mayo Clinic); PubMed 20059470 (cited by Mayo Clinic Laboratories, Mayo Clinic); PubMed 22250080 (cited by Mayo Clinic Laboratories, Mayo Clinic); PubMed 29888403 (cited by Mayo Clinic Laboratories, Mayo Clinic).

NM_000186.4(CFH):c.3226C>G (p.Gln1076Glu)

Gene: CFH (complement factor H; plus strand). Cytogenetic location: 1q31.3.
Variant type: single nucleotide variant.
Coding change: c.3226C>G on transcript NM_000186.4 (MANE Select); coding-DNA position 3226, C replaced by G.
Protein change: p.Gln1076Glu; replaces glutamine 1076 with glutamic acid.
Molecular consequence: missense variant.
Genome position (GRCh38, 1-based): chr1:196,743,544, C>G. VCF-style: chr1-196743544-C-G. GRCh37 (hg19) VCF-style: chr1-196712674-C-G.
Other names: short protein forms Q1076E.
Identifiers: ClinVar variation 1163683 (VCV001163683.14), dbSNP rs62625015, ClinGen allele CA1305883.
Genomic context (GRCh38, chr1:196,743,544, plus strand): 5'-AATGCTTATATAGTGTCGAGACAGATGAGTAAATATCCATCTGGTGAGAGAGTACGTTAT[C>G]AATGTAGGAGCCCTTATGAAATGTTTGGGGATGAAGAAGTGATGTGTTTAAATGGAAACT-3'
Protein context (NP_000177.2, residues 1066-1086): KYPSGERVRY[Gln1076Glu]CRSPYEMFGD